The following is an entry in ClinVar:

ClinVar aggregate classification (germline): Likely pathogenic (1 of 4 stars; one submission).

Conditions:
PAX2-Related Disorder. Also called: PAX2-related disorders. Identifiers: MedGen CN381309.

Submission:

3billion
Classification: Likely pathogenic for PAX2-related disorder. Last evaluated: 2025-09-19. Review status: criteria provided, single submitter. Criteria: ACMG Guidelines, 2015. Collection method: clinical testing. Allele origin: germline. Affected: yes.
Comment: The variant is not observed in the gnomAD v4.1.0 dataset. Predicted Consequence/Location: Canonical splice site: predicted to alter splicing and result in a loss or disruption of normal protein function. Multiple pathogenic loss-of-function variants are reported downstream of the variant. In silico tools predict the variant to alter splicing and produce an abnormal transcript [SpliceAI: 0.79 (spliceogenicity >=0.2, non-spliceogenicity <0.1)]. Therefore, this variant is classified as Likely pathogenic according to the recommendation of ACMG/AMP guideline.

NM_000278.5(PAX2):c.43+2dup

Gene: PAX2 (paired box 2; plus strand). Cytogenetic location: 10q24.31.
Variant type: Duplication.
Coding change: c.43+2dup on transcript NM_000278.5 (MANE Select); the canonical splice donor site of the intron after coding-DNA position 43, one base duplicated (T; older notation c.43+2dupT).
Molecular consequence: splice donor variant.
Genome position (GRCh38, 1-based): chr10:100,746,305, T duplicated. VCF-style (leftmost placement, unchanged base first): chr10-100746304-G-GT. GRCh37 (hg19) VCF-style: chr10-102506061-G-GT.
Other names: c.136+2dup (NM_001304569.2, NM_001374303.1); c.43+2dup (NM_003987.5, NM_003990.5, NM_003988.5 and 1 more transcripts).
Identifiers: ClinVar variation 4854648 (VCV004854648.1).